The following is an entry in ClinVar:

NM_001276345.2(TNNT2):c.522C>T (p.Asn174=)

Gene: TNNT2 (troponin T2, cardiac type; minus strand). Cytogenetic location: 1q32.1.
Variant type: single nucleotide variant.
Coding change: c.522C>T on transcript NM_001276345.2 (MANE Select); coding-DNA position 522, C replaced by T.
Protein change: p.Asn174=; no amino-acid change (asparagine 174 retained).
Molecular consequence: synonymous variant.
Genome position (GRCh38, 1-based): chr1:201,363,374, G>A on the plus strand (C>T on the coding strand, the complement: TNNT2 is on the minus strand). VCF-style: chr1-201363374-G-A. GRCh37 (hg19) VCF-style: chr1-201332502-G-A.
Other names: c.522C>T, p.Asn174= (NM_000364.4); c.492C>T, p.Asn164= (NM_001001430.3, NM_001001431.3, NM_001276347.2); c.477C>T, p.Asn159= (NM_001001432.3); c.402C>T, p.Asn134= (NM_001276346.2).
Identifiers: ClinVar variation 132941 (VCV000132941.24), dbSNP rs483352833, ClinGen allele CA004667.

ClinVar aggregate classification (germline): Benign/Likely benign. Review status: criteria provided, multiple submitters, no conflicts (2 of 4 stars). 11 submissions from 9 submitters: Benign (4); Likely benign (6). 1 of the submissions does not count toward it. Last evaluated 2026-01-28.

Conditions:
Cardiovascular phenotype. Identifiers: MedGen CN230736.
Dilated cardiomyopathy 1D. Identifiers: Orphanet 154, Orphanet 54260, MedGen C1832243, MONDO:0011095, OMIM 601494.
Hypertrophic cardiomyopathy 2. Also called: TNNT2-Related Familial Hypertrophic Cardiomyopathy. Identifiers: MedGen C1861864, MONDO:0007266, OMIM 115195.
Cardiomyopathy, familial restrictive, 3. Identifiers: Orphanet 75249, MedGen C2676271, MONDO:0012900, OMIM 612422.
Cardiomyopathy (CMYO). Also called: Cardiomyopathies. Identifiers: Orphanet 167848, MedGen C0878544, MONDO:0004994, HP:0001638. Inheritance: Various modes of inheritance.
Dilated cardiomyopathy 1DD (CMD1DD). Identifiers: Orphanet 154, MedGen C2750995, MONDO:0013168, OMIM 613172.

Allele frequency attached by ClinVar (database versions not stated): gnomAD 0.00001 and 0.00016; TOPMed 0.00001; gnomAD exomes 0.00018 and 0.00040; ExAC 0.00046; 1000 Genomes Project 30x 0.00094; 1000 Genomes Project 0.00120.
gnomAD v4.1: 287 of 1,614,110 alleles (0.018%); highest among the groups gnomAD compares: South Asian, 0.3%; 4 homozygotes.

Submissions (11):

Labcorp Genetics (formerly Invitae), Labcorp
Classification: Benign for Cardiomyopathy, familial restrictive, 3; Hypertrophic cardiomyopathy 2; Dilated cardiomyopathy 1D. Last evaluated: 2026-01-28. Review status: criteria provided, single submitter. Criteria: Invitae Variant Classification Sherloc (09022015). Collection method: clinical testing. Allele origin: germline.

Blueprint Genetics
Classification: Likely benign. Last evaluated: 2024-11-19. Review status: criteria provided, single submitter. Criteria: ACMG Guidelines, 2015. Collection method: clinical testing. Allele origin: germline.

Genome-Nilou Lab
Classification: Likely benign for Dilated cardiomyopathy 1D. Last evaluated: 2023-04-11. Review status: criteria provided, single submitter. Criteria: ACMG Guidelines, 2015. Collection method: clinical testing. Allele origin: germline. Affected: no.

Genome-Nilou Lab
Classification: Likely benign for Cardiomyopathy, familial restrictive, 3. Last evaluated: 2023-04-11. Review status: criteria provided, single submitter. Criteria: ACMG Guidelines, 2015. Collection method: clinical testing. Allele origin: germline. Affected: no.

Genome-Nilou Lab
Classification: Likely benign for Hypertrophic cardiomyopathy 2. Last evaluated: 2023-04-11. Review status: criteria provided, single submitter. Criteria: ACMG Guidelines, 2015. Collection method: clinical testing. Allele origin: germline. Affected: no.

Color Diagnostics, LLC DBA Color Health
Classification: Benign for Cardiomyopathy. Last evaluated: 2018-07-15. Review status: criteria provided, single submitter. Criteria: ACMG Guidelines, 2015. Collection method: clinical testing. Allele origin: germline.

Ambry Genetics
Classification: Likely benign for Cardiovascular phenotype. Last evaluated: 2017-12-15. Review status: criteria provided, single submitter. Criteria: Ambry Variant Classification Scheme 2023. Collection method: clinical testing. Allele origin: germline.

CHEO Genetics Diagnostic Laboratory, Children's Hospital of Eastern Ontario
Classification: Benign for Cardiomyopathy. Last evaluated: 2017-12-05. Review status: criteria provided, single submitter. Criteria: ACMG Guidelines, 2015. Collection method: clinical testing. Allele origin: germline.

GeneDx
Classification: Likely benign. Last evaluated: 2017-06-29. Review status: criteria provided, single submitter. Criteria: GeneDx Variant Classification (06012015). Collection method: clinical testing. Allele origin: germline. Affected: yes.
Comment: This variant is considered likely benign or benign based on one or more of the following criteria: it is a conservative change, it occurs at a poorly conserved position in the protein, it is predicted to be benign by multiple in silico algorithms, and/or has population frequency not consistent with disease.

Laboratory for Molecular Medicine, Mass General Brigham Personalized Medicine
Classification: Benign. Last evaluated: 2015-03-11. Review status: criteria provided, single submitter. Criteria: LMM Criteria. Collection method: clinical testing. Allele origin: germline. Observed: 1 variant allele.
Comment: p.Asn164Asn in exon 11 of TNNT2: This variant is not expected to have clinical s ignificance because it has been identified in 0.33% (56/16512) of South Asian ch romosomes by the Exome Aggregation Consortium (ExAC. org; dbSNP rs483352833).

Evolutionary and Medical Genetics Laboratory,  Centre for Cellular and Molecular Biology
Classification: Uncertain significance. Review status: no assertion criteria provided. Collection method: not provided. Allele origin: unknown. Not counted in ClinVar's aggregate classification.
ClinVar note: Converted during submission from unknown to Uncertain significance.

Literature cited by the submitters: PubMed 24992688 (cited by Laboratory for Molecular Medicine, Mass General Brigham Personalized Medicine).